The following is an entry in ClinVar:

ClinVar aggregate classification (germline): Likely benign. Review status: criteria provided, multiple submitters, no conflicts (2 of 4 stars). 2 submissions from 2 submitters: Likely benign (2). Last evaluated 2018-06-18.

Allele frequency attached by ClinVar (database versions not stated): gnomAD 0.01267 and 0.01285; gnomAD exomes 0.06959.
gnomAD v4.1: 31,872 of 557,976 alleles (5.7%); highest among the groups gnomAD compares: Middle Eastern, 16%; 1,297 homozygotes.

Submissions (2):

GeneDx
Classification: Likely benign. Last evaluated: 2018-06-18. Review status: criteria provided, single submitter. Criteria: GeneDx Variant Classification (06012015). Collection method: clinical testing. Allele origin: germline. Affected: yes.
Comment: This variant is considered likely benign or benign based on one or more of the following criteria: it is a conservative change, it occurs at a poorly conserved position in the protein, it is predicted to be benign by multiple in silico algorithms, and/or has population frequency not consistent with disease.

Breakthrough Genomics
Classification: Likely benign. Review status: criteria provided, single submitter. Criteria: ACMG Guidelines, 2015. Collection method: not provided. Allele origin: germline. Inheritance: Autosomal dominant inheritance. Affected: yes.

NM_020822.3(KCNT1):c.760-138C>T

Gene: KCNT1 (potassium sodium-activated channel subfamily T member 1; plus strand). Cytogenetic location: 9q34.3.
Variant type: single nucleotide variant.
Coding change: c.760-138C>T on transcript NM_020822.3 (MANE Select); 138 bases into the intron before coding-DNA position 760, C replaced by T.
Molecular consequence: intron variant.
Genome position (GRCh38, 1-based): chr9:135,758,276, C>T. VCF-style: chr9-135758276-C-T. GRCh37 (hg19) VCF-style: chr9-138650122-C-T.
Other names: c.616-138C>T (NM_001272003.2).
Identifiers: ClinVar variation 682100 (VCV000682100.2), dbSNP rs11103170, ClinGen allele CA201460612.